The following is an entry in ClinVar:

ClinVar aggregate classification (germline): Pathogenic (1 of 4 stars; one submission).

Conditions:
Inborn genetic diseases. Identifiers: MedGen C0950123, MeSH D030342.

Submission:

Ambry Genetics
Classification: Pathogenic for Inborn genetic diseases. Last evaluated: 2022-08-05. Review status: criteria provided, single submitter. Criteria: Ambry Variant Classification Scheme 2023. Collection method: clinical testing. Allele origin: germline.
Comment: The c.163_164delTT (p.L55Gfs*140) alteration, located in exon 1 (coding exon 1) of the HPDL gene, consists of a deletion of 2 nucleotides from position 163 to 164, causing a translational frameshift with a predicted alternate stop codon after 140 amino acids. Because HPDL is a single-exon gene, this alteration is not expected to trigger nonsense-mediated mRNA decay, and a truncated protein could still be expressed (Maquat, 2004). However, premature stop codons are typically deleterious in nature, and a significant portion of the protein is affected (Ambry internal data). This variant was not reported in population-based cohorts in the Genome Aggregation Database (gnomAD). Based on the available evidence, this alteration is classified as pathogenic.

NM_032756.4(HPDL):c.163_164del (p.Leu55fs)

Gene: HPDL (4-hydroxyphenylpyruvate dioxygenase like; plus strand). Cytogenetic location: 1p34.1.
Variant type: Deletion.
Coding change: c.163_164del on transcript NM_032756.4 (MANE Select); coding-DNA positions 163 to 164, 2 bases deleted (TT; older notation c.163_164delTT).
Protein change: p.Leu55fs; shifts the reading frame from leucine 55.
Molecular consequence: frameshift variant.
Genome position (GRCh38, 1-based): chr1:45,327,311-45,327,312, TT deleted; deleting any 2 consecutive bases within chr1:45,327,308-45,327,312 gives the same sequence; the c. name uses the placement nearest the transcript's 3' end. VCF-style (leftmost placement, unchanged base first): chr1-45327307-CTT-C. GRCh37 (hg19) VCF-style: chr1-45792979-CTT-C.
Other names: short protein forms L55fs.
Identifiers: ClinVar variation 2302879 (VCV002302879.2), dbSNP rs2523678676, ClinGen allele CA2580062887.